The following is an entry in ClinVar:

NM_005592.4(MUSK):c.629-5559A>C

Gene: MUSK (muscle associated receptor tyrosine kinase; plus strand). Cytogenetic location: 9q31.3.
Variant type: single nucleotide variant.
Coding change: c.629-5559A>C on transcript NM_005592.4 (MANE Select); 5559 bases into the intron before coding-DNA position 629, A replaced by C.
Molecular consequence: intron variant. On other transcripts: missense variant (1).
Genome position (GRCh38, 1-based): chr9:110,728,692, A>C. VCF-style: chr9-110728692-A-C. GRCh37 (hg19) VCF-style: chr9-113490972-A-C.
Other names: c.633A>C (NM_001166280.1); c.633A>C, p.Glu211Asp (NM_001166280.2); c.629-5559A>C (NM_001166281.2); c.-609+397A>C (NM_001369398.1); short protein forms E211D.
Identifiers: ClinVar variation 1267601 (VCV001267601.7), dbSNP rs12348614, ClinGen allele CA5184108.

ClinVar aggregate classification (germline): Benign/Likely benign. Review status: criteria provided, multiple submitters, no conflicts (2 of 4 stars). 5 submissions from 5 submitters: Benign (3); Likely benign (1). 1 of the submissions does not count toward it. Last evaluated 2024-11-27.

Conditions:
MUSK-related disorder. Also called: MUSK-related condition; MUSK-related disorders.

Allele frequency attached by ClinVar (database versions not stated): gnomAD exomes 0.01929 and 0.02926; ExAC 0.03728; gnomAD 0.05681 and 0.05862; ESP Exome Variant Server 0.06003; TOPMed 0.06208; 1000 Genomes Project 0.07228; 1000 Genomes Project 30x 0.07651.
gnomAD v4.1: 36,569 of 1,583,462 alleles (2.3%); highest among the groups gnomAD compares: African/African-American, 16%; 1,343 homozygotes.

Submissions (5):

Blueprint Genetics
Classification: Likely benign. Last evaluated: 2024-11-27. Review status: criteria provided, single submitter. Criteria: ACMG Guidelines, 2015. Collection method: clinical testing. Allele origin: germline.

Athena Diagnostics
Classification: Benign. Last evaluated: 2024-10-29. Review status: criteria provided, single submitter. Criteria: Athena Diagnostics Criteria. Collection method: clinical testing. Allele origin: unknown.

GeneDx
Classification: Benign. Last evaluated: 2018-07-06. Review status: criteria provided, single submitter. Criteria: GeneDx Variant Classification Process June 2021. Collection method: clinical testing. Allele origin: germline. Affected: yes.

Breakthrough Genomics
Classification: Benign. Review status: criteria provided, single submitter. Criteria: ACMG Guidelines, 2015. Collection method: not provided. Allele origin: germline. Inheritance: Autosomal recessive inheritance. Affected: yes.

PreventionGenetics, part of Exact Sciences
Classification: Benign for MUSK-related condition. Last evaluated: 2019-07-03. Review status: no assertion criteria provided. Collection method: clinical testing. Allele origin: germline. Not counted in ClinVar's aggregate classification.
Comment: This variant is classified as benign based on ACMG/AMP sequence variant interpretation guidelines (Richards et al. 2015 PMID: 25741868, with internal and published modifications).